The following is an entry in ClinVar:

NM_000380.4(XPA):c.368del (p.Leu123fs)

Gene: XPA (XPA, DNA damage recognition and repair factor; minus strand). Cytogenetic location: 9q22.33.
Variant type: Deletion.
Coding change: c.368del on transcript NM_000380.4 (MANE Select); coding-DNA position 368, one base deleted (T; older notation c.368delT).
Protein change: p.Leu123fs; shifts the reading frame from leucine 123.
Molecular consequence: frameshift variant. On other transcripts: non-coding transcript variant (2).
Genome position (GRCh38, 1-based): chr9:97,689,555, A deleted on the plus strand (T on the coding strand, the reverse complement: XPA is on the minus strand); the first of 3 consecutive A bases (chr9:97,689,555-97,689,557); deleting any one gives the same sequence. VCF-style (leftmost placement, unchanged base first): chr9-97689554-CA-C. GRCh37 (hg19) VCF-style: chr9-100451836-CA-C.
Other names: c.242del, p.Leu81fs (NM_001354975.2); short protein forms L123fs, L81fs.
Identifiers: ClinVar variation 959994 (VCV000959994.8), dbSNP rs778804405, ClinGen allele CA5148836.
Genomic context (GRCh38, chr9:97,689,554, plus strand): 5'-ATAAACATTAGCAATTAAGAACACCATCTAAAATAAGTACCTGCAGTTATCACAAGTTGG[CA>C]AATCAAAGTGGTTCATAAGATAAGAATCCATAAATTCTTTCCCACATTCTTCGCATATTA-3'

ClinVar aggregate classification (germline): Pathogenic/Likely pathogenic. Review status: criteria provided, multiple submitters, no conflicts (2 of 4 stars). 2 submissions from 2 submitters: Pathogenic (1); Likely pathogenic (1). Last evaluated 2025-12-15.

Submissions (2):

Labcorp Genetics (formerly Invitae), Labcorp
Classification: Pathogenic. Last evaluated: 2025-12-15. Review status: criteria provided, single submitter. Criteria: Invitae Variant Classification Sherloc (09022015). Collection method: clinical testing. Allele origin: germline.
Comment: This sequence change creates a premature translational stop signal (p.Leu123Cysfs*17) in the XPA gene. It is expected to result in an absent or disrupted protein product. Loss-of-function variants in XPA are known to be pathogenic (PMID: 27607234). This variant is present in population databases (rs778804405, gnomAD 0.0009%). This variant has not been reported in the literature in individuals affected with XPA-related conditions. ClinVar contains an entry for this variant (Variation ID: 959994). For these reasons, this variant has been classified as Pathogenic.

GeneDx
Classification: Likely pathogenic. Last evaluated: 2022-11-02. Review status: criteria provided, single submitter. Criteria: GeneDx Variant Classification Process June 2021. Collection method: clinical testing. Allele origin: germline. Affected: yes.
Comment: Frameshift variant predicted to result in protein truncation or nonsense mediated decay in a gene for which loss of function is a known mechanism of disease; Not observed at significant frequency in large population cohorts (gnomAD); Observed in a patient with lung adenocarcinoma (Lu et al., 2015); This variant is associated with the following publications: (PMID: 26689913)

Literature cited by the submitters: PubMed 27607234 (cited by Labcorp Genetics (formerly Invitae), Labcorp).